The following is an entry in ClinVar:

ClinVar aggregate classification (germline): Uncertain significance. Review status: criteria provided, multiple submitters, no conflicts (2 of 4 stars). 2 submissions from 2 submitters: Uncertain significance (2). Last evaluated 2025-05-17.

Conditions:
Glycogen storage disease type III (GSD3). Also called: Cori disease; FORBES DISEASE. Identifiers: Orphanet 366, MedGen C0017922, MONDO:0009291, OMIM 232400.
Inborn genetic diseases. Identifiers: MedGen C0950123, MeSH D030342.

Allele frequency attached by ClinVar (database versions not stated): gnomAD exomes below 0.00001 and 0.00001.
gnomAD v4.1: 4 of 1,612,298 alleles (0.00025%); highest among the groups gnomAD compares: Non-Finnish European, 0.00034%; no homozygotes.

Submissions (2):

Ambry Genetics
Classification: Uncertain significance for Inborn genetic diseases. Last evaluated: 2025-05-17. Review status: criteria provided, single submitter. Criteria: Ambry Variant Classification Scheme 2023. Collection method: clinical testing. Allele origin: germline.

Labcorp Genetics (formerly Invitae), Labcorp
Classification: Uncertain significance for Glycogen storage disease type III. Last evaluated: 2024-05-20. Review status: criteria provided, single submitter. Criteria: Invitae Variant Classification Sherloc (09022015). Collection method: clinical testing. Allele origin: germline.
Comment: This sequence change replaces glutamic acid, which is acidic and polar, with lysine, which is basic and polar, at codon 778 of the AGL protein (p.Glu778Lys). This variant is present in population databases (no rsID available, gnomAD 0.0009%). This variant has not been reported in the literature in individuals affected with AGL-related conditions. ClinVar contains an entry for this variant (Variation ID: 1397666). Advanced modeling of protein sequence and biophysical properties (such as structural, functional, and spatial information, amino acid conservation, physicochemical variation, residue mobility, and thermodynamic stability) performed at Invitae indicates that this missense variant is expected to disrupt AGL protein function with a positive predictive value of 80%. In summary, the available evidence is currently insufficient to determine the role of this variant in disease. Therefore, it has been classified as a Variant of Uncertain Significance.

NM_000642.3(AGL):c.2332G>A (p.Glu778Lys)

Gene: AGL (amylo-alpha-1,6-glucosidase and 4-alpha-glucanotransferase; plus strand). Cytogenetic location: 1p21.2.
Variant type: single nucleotide variant.
Coding change: c.2332G>A on transcript NM_000642.3 (MANE Select); coding-DNA position 2332, G replaced by A.
Protein change: p.Glu778Lys; replaces glutamic acid 778 with lysine.
Molecular consequence: missense variant.
Genome position (GRCh38, 1-based): chr1:99,884,143, G>A. VCF-style: chr1-99884143-G-A. GRCh37 (hg19) VCF-style: chr1-100349699-G-A.
Other names: c.2332G>A, p.Glu778Lys (NM_000028.3, NM_000643.3, NM_000644.3 and 2 more transcripts); c.2284G>A, p.Glu762Lys (NM_000646.3); c.2131G>A, p.Glu711Lys (NM_001425327.1); c.2128G>A, p.Glu710Lys (NM_001425328.1, NM_001425329.1); c.1954G>A, p.Glu652Lys (NM_001425332.1); c.2332G>A (NM_000642.2); short protein forms E778K, E762K, E652K, E710K, E711K.
Identifiers: ClinVar variation 1397666 (VCV001397666.8), dbSNP rs1173769424, ClinGen allele CA341320610.